The following is an entry in ClinVar:

NM_002335.4(LRP5):c.59T>C (p.Leu20Pro)

Gene: LRP5 (LDL receptor related protein 5; plus strand). Cytogenetic location: 11q13.2.
Variant type: single nucleotide variant.
Coding change: c.59T>C on transcript NM_002335.4 (MANE Select); coding-DNA position 59, T replaced by C.
Protein change: p.Leu20Pro; replaces leucine 20 with proline.
Molecular consequence: missense variant. On other transcripts: 5 prime UTR variant (1).
Genome position (GRCh38, 1-based): chr11:68,312,773, T>C. VCF-style: chr11-68312773-T-C. GRCh37 (hg19) VCF-style: chr11-68080241-T-C.
Other names: c.-1707T>C (NM_001291902.2); short protein forms L20P.
Identifiers: ClinVar variation 1353421 (VCV001353421.6), dbSNP rs2153110217, ClinGen allele CA381607482.
Genomic context (GRCh38, chr11:68,312,773, plus strand): 5'-ACATGGAGGCAGCGCCGCCCGGGCCGCCGTGGCCGCTGCTGCTGCTGCTGCTGCTGCTGC[T>C]GGCGCTGTGCGGCTGCCCGGCCCCCGCCGCGGGTAGGTGGGCGCAGGCCGGCCGGGGGCC-3'
Protein context (NP_002326.2, residues 10-30): WPLLLLLLLL[Leu20Pro]ALCGCPAPAA

ClinVar aggregate classification (germline): Uncertain significance (1 of 4 stars; one submission).

Submission:

Labcorp Genetics (formerly Invitae), Labcorp
Classification: Uncertain significance. Last evaluated: 2021-11-24. Review status: criteria provided, single submitter. Criteria: Invitae Variant Classification Sherloc (09022015). Collection method: clinical testing. Allele origin: germline.
Comment: Advanced modeling of protein sequence and biophysical properties (such as structural, functional, and spatial information, amino acid conservation, physicochemical variation, residue mobility, and thermodynamic stability) performed at Invitae indicates that this missense variant is not expected to disrupt LRP5 protein function. This variant has not been reported in the literature in individuals affected with LRP5-related conditions. This variant is not present in population databases (gnomAD no frequency). This sequence change replaces leucine, which is neutral and non-polar, with proline, which is neutral and non-polar, at codon 20 of the LRP5 protein (p.Leu20Pro). In summary, the available evidence is currently insufficient to determine the role of this variant in disease. Therefore, it has been classified as a Variant of Uncertain Significance.